The following is an entry in ClinVar:

NM_000135.4(FANCA):c.2741G>T (p.Arg914Ile)

Gene: FANCA (FA complementation group A; minus strand). Cytogenetic location: 16q24.3.
Variant type: single nucleotide variant.
Coding change: c.2741G>T on transcript NM_000135.4 (MANE Select); coding-DNA position 2741, G replaced by T.
Protein change: p.Arg914Ile; replaces arginine 914 with isoleucine.
Molecular consequence: missense variant.
Genome position (GRCh38, 1-based): chr16:89,764,927, C>A on the plus strand (G>T on the coding strand, the complement: FANCA is on the minus strand). VCF-style: chr16-89764927-C-A. GRCh37 (hg19) VCF-style: chr16-89831335-C-A.
Other names: c.2741G>T, p.Arg914Ile (NM_001286167.3); short protein forms R914I.
Identifiers: ClinVar variation 1986138 (VCV001986138.5), dbSNP rs748454613, ClinGen allele CA397438083.
Genomic context (GRCh38, chr16:89,764,927, plus strand): 5'-CAGGAGAAGGAACGGTCACCTACGTGAACATCTTCCTCTTTCAACACCTCTCGGAAGGTT[C>A]TGTGTGTCCAGAGAGAGAGGGCAGCTCTCTGCCAGTCTGCAGAAGGAAGGTGCAAGGGTC-3'
Protein context (NP_000126.2, residues 904-924): QRAALSLWTH[Arg914Ile]TFREVLKEED

ClinVar aggregate classification (germline): Uncertain significance. Review status: criteria provided, multiple submitters, no conflicts (2 of 4 stars). 2 submissions from 2 submitters: Uncertain significance (2). Last evaluated 2026-07-10.

Conditions:
Inborn genetic diseases. Identifiers: MedGen C0950123, MeSH D030342.
Fanconi anemia (FA). Also called: Fanconi's anemia. Identifiers: Orphanet 84, MedGen C0015625, MeSH D005199, MONDO:0019391.

Submissions (2):

Ambry Genetics
Classification: Uncertain significance for Inborn genetic diseases. Last evaluated: 2026-07-10. Review status: criteria provided, single submitter. Criteria: Ambry Variant Classification Scheme 2023. Collection method: clinical testing. Allele origin: germline.
Comment: The p.R914I variant (also known as c.2741G>T), located in coding exon 28 of the FANCA gene, results from a G to T substitution at nucleotide position 2741. The arginine at codon 914 is replaced by isoleucine, an amino acid with similar properties. This amino acid position is conserved. In addition, this alteration is predicted to be tolerated by in silico analysis. Based on the available evidence, the clinical significance of this variant remains unclear.

Labcorp Genetics (formerly Invitae), Labcorp
Classification: Uncertain significance for Fanconi anemia. Last evaluated: 2022-02-21. Review status: criteria provided, single submitter. Criteria: Invitae Variant Classification Sherloc (09022015). Collection method: clinical testing. Allele origin: germline.
Comment: In summary, the available evidence is currently insufficient to determine the role of this variant in disease. Therefore, it has been classified as a Variant of Uncertain Significance. Advanced modeling of protein sequence and biophysical properties (such as structural, functional, and spatial information, amino acid conservation, physicochemical variation, residue mobility, and thermodynamic stability) performed at Invitae indicates that this missense variant is not expected to disrupt FANCA protein function. This variant has not been reported in the literature in individuals affected with FANCA-related conditions. This variant is not present in population databases (gnomAD no frequency). This sequence change replaces arginine, which is basic and polar, with isoleucine, which is neutral and non-polar, at codon 914 of the FANCA protein (p.Arg914Ile).